The following is an entry in ClinVar:

ClinVar aggregate classification (germline): Uncertain significance. Review status: criteria provided, multiple submitters, no conflicts (2 of 4 stars). 3 submissions from 3 submitters: Uncertain significance (3). Last evaluated 2026-01-06.

gnomAD v4.1: 8 of 1,612,510 alleles (0.0005%); highest among the groups gnomAD compares: Non-Finnish European, 0.00068%; no homozygotes.

Submissions (3):

Labcorp Genetics (formerly Invitae), Labcorp
Classification: Uncertain significance. Last evaluated: 2026-01-06. Review status: criteria provided, single submitter. Criteria: Invitae Variant Classification Sherloc (09022015). Collection method: clinical testing. Allele origin: germline.
Comment: This sequence change replaces threonine, which is neutral and polar, with isoleucine, which is neutral and non-polar, at codon 771 of the COL7A1 protein (p.Thr771Ile). This variant is not present in population databases (gnomAD no frequency). This variant has not been reported in the literature in individuals affected with COL7A1-related conditions. ClinVar contains an entry for this variant (Variation ID: 3339664). Experimental studies and prediction algorithms are not available or were not evaluated, and the functional significance of this variant is currently unknown. In summary, the available evidence is currently insufficient to determine the role of this variant in disease. Therefore, it has been classified as a Variant of Uncertain Significance.

Women's Health and Genetics/Laboratory Corporation of America, LabCorp
Classification: Uncertain significance. Last evaluated: 2024-06-30. Review status: criteria provided, single submitter. Criteria: LabCorp Variant Classification Summary - May 2015. Collection method: clinical testing. Allele origin: germline.

Blueprint Genetics
Classification: Uncertain significance. Last evaluated: 2023-01-19. Review status: criteria provided, single submitter. Criteria: ACMG Guidelines, 2015. Collection method: clinical testing. Allele origin: germline.

NM_000094.4(COL7A1):c.2312C>T (p.Thr771Ile)

Gene: COL7A1 (collagen type VII alpha 1 chain; minus strand). Cytogenetic location: 3p21.31.
Variant type: single nucleotide variant.
Coding change: c.2312C>T on transcript NM_000094.4 (MANE Select); coding-DNA position 2312, C replaced by T.
Protein change: p.Thr771Ile; replaces threonine 771 with isoleucine.
Molecular consequence: missense variant.
Genome position (GRCh38, 1-based): chr3:48,589,329, G>A on the plus strand (C>T on the coding strand, the complement: COL7A1 is on the minus strand). VCF-style: chr3-48589329-G-A. GRCh37 (hg19) VCF-style: chr3-48626762-G-A.
Other names: short protein forms T771I.
Identifiers: ClinVar variation 3339664 (VCV003339664.3).